The following is an entry in ClinVar:

ClinVar aggregate classification (germline): Benign/Likely benign. Review status: criteria provided, multiple submitters, no conflicts (2 of 4 stars). 3 submissions from 3 submitters: Benign (1); Likely benign (2). Last evaluated 2025-08-01.

Allele frequency attached by ClinVar (database versions not stated): 1000 Genomes Project 30x 0.00016; 1000 Genomes Project 0.00020; ESP Exome Variant Server 0.00069.
gnomAD v4.1: 937 of 1,410,566 alleles (0.066%); highest among the groups gnomAD compares: Admixed American, 0.038%; 3 homozygotes.

Submissions (3):

CeGaT Center for Human Genetics Tuebingen
Classification: Likely benign. Last evaluated: 2025-08-01. Review status: criteria provided, single submitter. Criteria: CeGaT Center For Human Genetics Tuebingen Variant Classification Criteria Version 2. Collection method: clinical testing. Allele origin: germline. Affected: yes. Observed: 3 variant alleles.
Comment: FHOD3: BP4

Molecular Diagnostic Laboratory for Inherited Cardiovascular Disease, Montreal Heart Institute
Classification: Benign. Last evaluated: 2025-04-09. Review status: criteria provided, single submitter. Criteria: ACMG Guidelines, 2015. Collection method: clinical testing. Allele origin: germline. Affected: no.

Blueprint Genetics
Classification: Likely benign. Last evaluated: 2024-09-13. Review status: criteria provided, single submitter. Criteria: ACMG Guidelines, 2015. Collection method: clinical testing. Allele origin: germline.

NM_001281740.3(FHOD3):c.958-4C>T

Gene: FHOD3 (formin homology 2 domain containing 3; plus strand). Cytogenetic location: 18q12.2.
Variant type: single nucleotide variant.
Coding change: c.958-4C>T on transcript NM_001281740.3 (MANE Select); 4 bases into the intron before coding-DNA position 958, C replaced by T.
Molecular consequence: intron variant.
Genome position (GRCh38, 1-based): chr18:36,625,507, C>T. VCF-style: chr18-36625507-C-T. GRCh37 (hg19) VCF-style: chr18-34205470-C-T.
Other names: c.958-4C>T (NM_025135.5, NM_001281739.3).
Identifiers: ClinVar variation 2648677 (VCV002648677.26), dbSNP rs200239609, ClinGen allele CA8941490.
Genomic context (GRCh38, chr18:36,625,507, plus strand): 5'-ACACCTGAGGTCTGTGAAAGGATGCCAAGCCTGACCTTGCACTGGGCGTGCTCTGCTTTT[C>T]CAGGTGGCGCTCAGGCACGAGGATGGCGATGAGACCACGGAGCCACCCCCCAGTGGGTGC-3'